The following is an entry in ClinVar:

ClinVar aggregate classification (germline): Uncertain significance (1 of 4 stars; one submission).

Submission:

Labcorp Genetics (formerly Invitae), Labcorp
Classification: Uncertain significance. Last evaluated: 2019-09-07. Review status: criteria provided, single submitter. Criteria: Invitae Variant Classification Sherloc (09022015). Collection method: clinical testing. Allele origin: germline.
Comment: In summary, the available evidence is currently insufficient to determine the role of this variant in disease. Therefore, it has been classified as a Variant of Uncertain Significance. This variant has not been reported in the literature in individuals with PRKN-related conditions. This variant results in a copy number gain of the genomic region encompassing exons 6-10 of the PRKN gene. While the exact position of this variant cannot be determined from this data, sub-genic copy number gains are generally in tandem (PMID: 25640679). This variant would be expected to be in-frame, preserving the integrity of the reading frame.

Literature cited by the submitters: PubMed 25640679.

NC_000006.12:g.(?_161386784)_(161973427_?)dup

Gene: PRKN (parkin RBR E3 ubiquitin protein ligase; minus strand). Cytogenetic location: 6q26.
Variant type: Duplication.
Identifiers: ClinVar variation 831849 (VCV000831849.5).